The following is an entry in ClinVar:

NM_001371596.2(MFSD8):c.2T>A (p.Met1Lys)

Gene: MFSD8 (major facilitator superfamily domain containing 8; minus strand). Cytogenetic location: 4q28.2.
Variant type: single nucleotide variant.
Coding change: c.2T>A on transcript NM_001371596.2 (MANE Select); coding-DNA position 2, T replaced by A.
Protein change: p.Met1Lys; changes the start codon (methionine 1).
Molecular consequence: missense variant, initiator codon variant. On other transcripts: 5 prime UTR variant (1), intron variant (2).
Genome position (GRCh38, 1-based): chr4:127,965,132, A>T on the plus strand (T>A on the coding strand, the complement: MFSD8 is on the minus strand). VCF-style: chr4-127965132-A-T. GRCh37 (hg19) VCF-style: chr4-128886287-A-T.
Other names: c.2T>A, p.Met1Lys (NM_001363520.3, NM_001363521.3, NM_001371591.2 and 5 more transcripts); c.-132T>A (NM_001371595.1); c.-74+765T>A (NM_001410765.1, NM_001371590.2); short protein forms M1K.
Identifiers: ClinVar variation 2832196 (VCV002832196.3), dbSNP rs2149009008, ClinGen allele CA358166000.

ClinVar aggregate classification (germline): Likely pathogenic (1 of 4 stars; one submission).

Conditions:
Neuronal ceroid lipofuscinosis 7 (CLN7). Also called: MFSD8-Related Neuronal Ceroid-Lipofuscinosis. Identifiers: Orphanet 168491, Orphanet 228366, MedGen C1838571, MONDO:0012588, OMIM 610951.

Submission:

Labcorp Genetics (formerly Invitae), Labcorp
Classification: Likely pathogenic for Neuronal ceroid lipofuscinosis 7. Last evaluated: 2023-06-09. Review status: criteria provided, single submitter. Criteria: Invitae Variant Classification Sherloc (09022015). Collection method: clinical testing. Allele origin: germline.
Comment: In summary, the currently available evidence indicates that the variant is pathogenic, but additional data are needed to prove that conclusively. Therefore, this variant has been classified as Likely Pathogenic. Disruption of the initiator codon has been observed in individual(s) with MFSD8-related conditions (PMID: 19177532, 32037395). In at least one individual the data is consistent with being in trans (on the opposite chromosome) from a pathogenic variant. This variant is not present in population databases (gnomAD no frequency). This sequence change affects the initiator methionine of the MFSD8 mRNA. The next in-frame methionine is located at codon 46.

Literature cited by the submitters: PubMed 19177532; PubMed 32037395.